The following is an entry in ClinVar:

NM_006015.6(ARID1A):c.1275G>T (p.Gln425His)

Gene: ARID1A (AT-rich interaction domain 1A; plus strand). Cytogenetic location: 1p36.11.
Variant type: single nucleotide variant.
Coding change: c.1275G>T on transcript NM_006015.6 (MANE Select); coding-DNA position 1275, G replaced by T.
Protein change: p.Gln425His; replaces glutamine 425 with histidine.
Molecular consequence: missense variant.
Genome position (GRCh38, 1-based): chr1:26,729,788, G>T. VCF-style: chr1-26729788-G-T. GRCh37 (hg19) VCF-style: chr1-27056279-G-T.
Other names: c.1275G>T, p.Gln425His (NM_139135.4); short protein forms Q425H.
Identifiers: ClinVar variation 2581868 (VCV002581868.2), dbSNP rs2080655407, ClinGen allele CA339267694.

ClinVar aggregate classification (germline): Uncertain significance. Review status: criteria provided, multiple submitters, no conflicts (2 of 4 stars). 2 submissions from 2 submitters: Uncertain significance (2). Last evaluated 2023-03-31.

Conditions:
ARID1A-related disorder. Also called: ARID1A-related condition.

Allele frequency attached by ClinVar (database versions not stated): gnomAD 0.00001.
gnomAD v4.1: 1 of 1,614,128 alleles (0.000062%); highest among the groups gnomAD compares: African/African-American, 0.0013%; no homozygotes.

Submissions (2):

GeneDx
Classification: Uncertain significance. Last evaluated: 2023-03-31. Review status: criteria provided, single submitter. Criteria: GeneDx Variant Classification Process June 2021. Collection method: clinical testing. Allele origin: germline. Affected: yes.
Comment: Not observed at significant frequency in large population cohorts (gnomAD); In silico analysis supports that this missense variant does not alter protein structure/function; Has not been previously published as pathogenic or benign to our knowledge

PreventionGenetics, part of Exact Sciences
Classification: Uncertain significance for ARID1A-related condition. Last evaluated: 2022-12-05. Review status: criteria provided, single submitter. Criteria: ACMG Guidelines, 2015. Collection method: clinical testing. Allele origin: germline.
Comment: The ARID1A c.1275G>T variant is predicted to result in the amino acid substitution p.Gln425His. To our knowledge, this variant has not been reported in the literature or in a large population database, indicating this variant is rare. At this time, the clinical significance of this variant is uncertain due to the absence of conclusive functional and genetic evidence.